The following is an entry in ClinVar:

ClinVar aggregate classification (germline): Uncertain significance. Review status: criteria provided, multiple submitters, no conflicts (2 of 4 stars). 2 submissions from 2 submitters: Uncertain significance (2). Last evaluated 2026-04-23.

Conditions:
Familial thoracic aortic aneurysm and aortic dissection (TAAD). Also called: Thoracic aortic aneurysms and dissections. Identifiers: Orphanet 91387, MedGen C4707243, MONDO:0019625.
Aortic aneurysm, familial thoracic 7 (AAT7). Also called: AORTIC DISSECTION, FAMILIAL, WITH OR WITHOUT AORTIC ANEURYSM. Identifiers: MedGen C3151077, MONDO:0013418, OMIM 613780.

Submissions (2):

Ambry Genetics
Classification: Uncertain significance for Familial thoracic aortic aneurysm and aortic dissection. Last evaluated: 2026-04-23. Review status: criteria provided, single submitter. Criteria: Ambry Variant Classification Scheme 2023. Collection method: clinical testing. Allele origin: germline.
Comment: The c.3402_3403delCGinsTA variant, located in coding exon 15 of the MYLK gene, results from an in-frame deletion of CG and insertion of TA at nucleotide positions 3402 to 3403. This results in the substitution of the glycine residue for an arginine residue at codon 1135, an amino acid with dissimilar properties. This variant was detected in two affected members of a family with abdominal aortic aneurysm and some connective tissue findings (van de Luijtgaarden KM et al. Hum. Genet., 2015 Aug;134:881-93). This amino acid position is highly conserved in available vertebrate species. In addition, the in silico prediction for this alteration is inconclusive. Based on the available evidence, the clinical significance of this variant remains unclear.

Labcorp Genetics (formerly Invitae), Labcorp
Classification: Uncertain significance for Aortic aneurysm, familial thoracic 7. Last evaluated: 2024-12-10. Review status: criteria provided, single submitter. Criteria: Invitae Variant Classification Sherloc (09022015). Collection method: clinical testing. Allele origin: germline.
Comment: This sequence change replaces glycine, which is neutral and non-polar, with arginine, which is basic and polar, at codon 1135 of the MYLK protein (p.Gly1135Arg). Information on the frequency of this variant in the gnomAD database is not available, as this variant may be reported differently in the database. This missense change has been observed in individual(s) with aortic aneurysm (PMID: 26017485). ClinVar contains an entry for this variant (Variation ID: 1442557). Experimental studies and prediction algorithms are not available or were not evaluated, and the functional significance of this variant is currently unknown. In summary, the available evidence is currently insufficient to determine the role of this variant in disease. Therefore, it has been classified as a Variant of Uncertain Significance.

Literature cited by the submitters: PubMed 26017485 (cited by Ambry Genetics and Labcorp Genetics (formerly Invitae), Labcorp).

NM_053025.4(MYLK):c.3402_3403delinsTA (p.Gly1135Arg)

Gene: MYLK (myosin light chain kinase; minus strand). Cytogenetic location: 3q21.1.
Variant type: Indel.
Coding change: c.3402_3403delinsTA on transcript NM_053025.4 (MANE Select); coding-DNA positions 3402 to 3403, CG replaced by TA.
Protein change: p.Gly1135Arg; replaces glycine 1135 with arginine.
Molecular consequence: missense variant.
Genome position (GRCh38, 1-based): chr3:123,700,065-123,700,066, CG replaced by TA on the plus strand (CG replaced by TA on the coding strand, the reverse complement: MYLK is on the minus strand). VCF-style: chr3-123700065-CG-TA. GRCh37 (hg19) VCF-style: chr3-123418912-CG-TA.
Other names: c.3402_3403delCGinsTA (NM_053025.3); c.2874_2875delinsTA, p.Gly959Arg (NM_001321309.2); c.3195_3196delinsTA, p.Gly1066Arg (NM_053026.4, NM_053028.4); c.3402_3403delinsTA, p.Gly1135Arg (NM_053027.4); short protein forms G1066R, G1135R, G959R.
Identifiers: ClinVar variation 1442557 (VCV001442557.8), dbSNP rs2108576642, ClinGen allele CA2573136420.